The following is an entry in ClinVar:

NM_001080477.4(TENM3):c.439C>T (p.Leu147=)

Gene: TENM3 (teneurin transmembrane protein 3; plus strand). Cytogenetic location: 4q35.1.
Variant type: single nucleotide variant.
Coding change: c.439C>T on transcript NM_001080477.4 (MANE Select); coding-DNA position 439, C replaced by T.
Protein change: p.Leu147=; no amino-acid change (leucine 147 retained).
Molecular consequence: synonymous variant. On other transcripts: intron variant (4).
Genome position (GRCh38, 1-based): chr4:182,346,857, C>T. VCF-style: chr4-182346857-C-T. GRCh37 (hg19) VCF-style: chr4-183268010-C-T.
Other names: c.439C>T, p.Leu147= (NM_001415968.1, NM_001415969.1, NM_001415970.1 and 4 more transcripts); c.232+22605C>T (NM_001415976.1, NM_001415967.1, NM_001415977.1 and 1 more transcripts).
Identifiers: ClinVar variation 2917693 (VCV002917693.4), dbSNP rs151089580, ClinGen allele CA3147400.
Genomic context (GRCh38, chr4:182,346,857, plus strand): 5'-TCCCCAGAGCATGCCATGAGACTTTGGGGCAGGGGGGTCAAATCAGGCCGCAGCTCCTGC[C>T]TGTCAAGTCGGTCCAACTCAGCCCTCACCCTGACAGATACGGAGCACGAAAACAAGTCCG-3'
Protein context (NP_001073946.1, residues 137-157): RGVKSGRSSC[Leu147=]SSRSNSALTL

ClinVar aggregate classification (germline): Benign/Likely benign. Review status: criteria provided, multiple submitters, no conflicts (2 of 4 stars). 2 submissions from 2 submitters: Benign (1); Likely benign (1). Last evaluated 2026-07-01.

Allele frequency attached by ClinVar (database versions not stated): gnomAD exomes 0.00006; gnomAD 0.00007; ExAC 0.00010; TOPMed 0.00010; 1000 Genomes Project 30x 0.00047; 1000 Genomes Project 0.00060.
gnomAD v4.1: 94 of 1,613,400 alleles (0.0058%); highest among the groups gnomAD compares: East Asian, 0.17%; no homozygotes.

Submissions (2):

CeGaT Center for Human Genetics Tuebingen
Classification: Likely benign. Last evaluated: 2026-07-01. Review status: criteria provided, single submitter. Criteria: CeGaT Center For Human Genetics Tuebingen Variant Classification Criteria Version 2. Collection method: clinical testing. Allele origin: germline. Affected: yes. Observed: 1 variant allele.
Comment: TENM3: BP4

Labcorp Genetics (formerly Invitae), Labcorp
Classification: Benign. Last evaluated: 2023-01-04. Review status: criteria provided, single submitter. Criteria: Invitae Variant Classification Sherloc (09022015). Collection method: clinical testing. Allele origin: germline.